The following is an entry in ClinVar:

ClinVar aggregate classification (germline): Pathogenic (1 of 4 stars; one submission).

Conditions:
Short-rib thoracic dysplasia 8 with or without polydactyly (SRTD8). Also called: SHORT-RIB THORACIC DYSPLASIA 8 WITH POLYDACTYLY. Identifiers: Orphanet 93271, MedGen C3809691, MONDO:0014214, OMIM 615503.

Submission:

Labcorp Genetics (formerly Invitae), Labcorp
Classification: Pathogenic for Short-rib thoracic dysplasia 8 with or without polydactyly. Last evaluated: 2023-06-15. Review status: criteria provided, single submitter. Criteria: Invitae Variant Classification Sherloc (09022015). Collection method: clinical testing. Allele origin: unknown.
Comment: For these reasons, this variant has been classified as Pathogenic. This variant has not been reported in the literature in individuals affected with WDR60-related conditions. A gross deletion of the genomic region encompassing the full coding sequence of the WDR60 gene has been identified. Loss-of-function variants in WDR60 are known to be pathogenic (PMID: 9068549, 23910462). The boundaries of this event are unknown as they extend beyond the assayed region for this gene and therefore may encompass additional genes.

Literature cited by the submitters: PubMed 9068549; PubMed 23910462.

NC_000007.13:g.(?_158649427)_(158738470_?)del

Gene: DYNC2I1 (dynein 2 intermediate chain 1; plus strand). Cytogenetic location: 7q36.3.
Variant type: Deletion.
Identifiers: ClinVar variation 3245816 (VCV003245816.1).